The following is an entry in ClinVar:

NM_000389.5(CDKN1A):c.273A>T (p.Gly91=)

Gene: CDKN1A (cyclin dependent kinase inhibitor 1A; plus strand). Cytogenetic location: 6p21.2.
Variant type: single nucleotide variant.
Coding change: c.273A>T on transcript NM_000389.5 (MANE Select); coding-DNA position 273, A replaced by T.
Protein change: p.Gly91=; no amino-acid change (glycine 91 retained).
Molecular consequence: synonymous variant.
Genome position (GRCh38, 1-based): chr6:36,684,374, A>T. VCF-style: chr6-36684374-A-T. GRCh37 (hg19) VCF-style: chr6-36652151-A-T.
Other names: NC_000006.11:g.36652151A>T; c.273A>T, p.Gly91= (NM_001220777.2, NM_001220778.2, NM_001374511.1 and 3 more transcripts); c.375A>T, p.Gly125= (NM_001291549.3, NM_001374509.1); c.312A>T, p.Gly104= (NM_001374510.1).
Identifiers: ClinVar variation 1206063 (VCV001206063.27), dbSNP rs143676546, ClinGen allele CA3780375.

ClinVar aggregate classification (germline): Likely benign. Review status: criteria provided, single submitter (1 of 4 stars). 3 submissions from 3 submitters: Likely benign (1). 2 of the submissions do not count toward it. Last evaluated 2026-06-01.

Allele frequency attached by ClinVar (database versions not stated): ESP Exome Variant Server 0.00008; gnomAD 0.00026 and 0.00029; gnomAD exomes 0.00026 and 0.00049; TOPMed 0.00042; ExAC 0.00051; 1000 Genomes Project 0.00080; 1000 Genomes Project 30x 0.00094.
gnomAD v4.1: 445 of 1,613,176 alleles (0.028%); highest among the groups gnomAD compares: Admixed American, 0.088%; 2 homozygotes.

Submissions (4):

CeGaT Center for Human Genetics Tuebingen
Classification: Likely benign. Last evaluated: 2026-06-01. Review status: criteria provided, single submitter. Criteria: CeGaT Center For Human Genetics Tuebingen Variant Classification Criteria Version 2. Collection method: clinical testing. Allele origin: germline. Affected: yes. Observed: 5 variant alleles.
Comment: CDKN1A: BP4, BP7

Dr. Peter K. Rogan Lab, Western University
No classification provided (evidence only). Condition: Hepatocellular carcinoma. Review status: no classification provided. Collection method: in vitro. Allele origin: not applicable. Functional consequence: retained intron. Not counted in ClinVar's aggregate classification.

Genome Diagnostics Laboratory, Amsterdam University Medical Center
Classification: Likely benign. Review status: no assertion criteria provided. Collection method: clinical testing. Allele origin: germline. Affected: yes. Study: VKGL Data-share Consensus. Not counted in ClinVar's aggregate classification.

Laboratory of Diagnostic Genome Analysis, Leiden University Medical Center (LUMC)
Classification: Likely benign. Review status: no assertion criteria provided. Collection method: clinical testing. Allele origin: germline. Affected: yes. Study: VKGL Data-share Consensus. Not counted in ClinVar's aggregate classification.